The following is an entry in ClinVar:

ClinVar aggregate classification (germline): Uncertain significance. Review status: criteria provided, multiple submitters, no conflicts (2 of 4 stars). 5 submissions from 5 submitters: Uncertain significance (5). Last evaluated 2026-01-14.

Conditions:
Hereditary cancer-predisposing syndrome. Also called: Neoplastic Syndromes, Hereditary; Tumor predisposition; Hereditary neoplastic syndrome; Hereditary Cancer Syndrome. Identifiers: Orphanet 140162, MedGen C0027672, MeSH D009386, MONDO:0015356.
Cardiovascular phenotype. Identifiers: MedGen CN230736.

Allele frequency attached by ClinVar (database versions not stated): TOPMed 0.00002; gnomAD 0.00005 and 0.00006; ExAC 0.00006.
gnomAD v4.1: 52 of 1,613,510 alleles (0.0032%); highest among the groups gnomAD compares: South Asian, 0.0055%; no homozygotes.

Submissions (5):

Labcorp Genetics (formerly Invitae), Labcorp
Classification: Uncertain significance. Last evaluated: 2026-01-14. Review status: criteria provided, single submitter. Criteria: Invitae Variant Classification Sherloc (09022015). Collection method: clinical testing. Allele origin: germline.
Comment: This sequence change replaces glycine, which is neutral and non-polar, with arginine, which is basic and polar, at codon 711 of the LZTR1 protein (p.Gly711Arg). This variant is present in population databases (rs777021795, gnomAD 0.009%). This variant has not been reported in the literature in individuals affected with LZTR1-related conditions. ClinVar contains an entry for this variant (Variation ID: 1319825). Invitae Evidence Modeling of protein sequence and biophysical properties (such as structural, functional, and spatial information, amino acid conservation, physicochemical variation, residue mobility, and thermodynamic stability) indicates that this missense variant is not expected to disrupt LZTR1 protein function with a negative predictive value of 80%. In summary, the available evidence is currently insufficient to determine the role of this variant in disease. Therefore, it has been classified as a Variant of Uncertain Significance.

GeneDx
Classification: Uncertain significance. Last evaluated: 2025-10-15. Review status: criteria provided, single submitter. Criteria: GeneDx Variant Classification Process June 2021. Collection method: clinical testing. Allele origin: germline. Affected: yes.
Comment: Identified in a patient with pulmonary arterial hypertension in published literature, although no additional clinical or segregation information was provided (PMID: 30029678); In silico analysis supports that this missense variant has a deleterious effect on protein structure/function; This variant is associated with the following publications: (PMID: 30029678)

Ambry Genetics
Classification: Uncertain significance for Cardiovascular phenotype; Hereditary cancer-predisposing syndrome. Last evaluated: 2025-08-04. Review status: criteria provided, single submitter. Criteria: Ambry Variant Classification Scheme 2023. Collection method: clinical testing. Allele origin: germline.
Comment: The p.G711R variant (also known as c.2131G>A), located in coding exon 18 of the LZTR1 gene, results from a G to A substitution at nucleotide position 2131. The glycine at codon 711 is replaced by arginine, an amino acid with dissimilar properties. This amino acid position is highly conserved in available vertebrate species. In addition, this alteration is predicted to be deleterious by in silico analysis. Based on the available evidence, the clinical significance of this variant remains unclear.

Blueprint Genetics
Classification: Uncertain significance. Last evaluated: 2024-05-28. Review status: criteria provided, single submitter. Criteria: ACMG Guidelines, 2015. Collection method: clinical testing. Allele origin: germline.

Institute for Clinical Genetics, University Hospital TU Dresden, University Hospital TU Dresden
Classification: Uncertain significance. Last evaluated: 2021-11-03. Review status: criteria provided, single submitter. Criteria: ACMG Guidelines, 2015. Collection method: clinical testing. Allele origin: germline.

NM_006767.4(LZTR1):c.2131G>A (p.Gly711Arg)

Gene: LZTR1 (leucine zipper like post translational regulator 1; plus strand). Cytogenetic location: 22q11.21.
Variant type: single nucleotide variant.
Coding change: c.2131G>A on transcript NM_006767.4 (MANE Select); coding-DNA position 2131, G replaced by A.
Protein change: p.Gly711Arg; replaces glycine 711 with arginine.
Molecular consequence: missense variant.
Genome position (GRCh38, 1-based): chr22:20,996,024, G>A. VCF-style: chr22-20996024-G-A. GRCh37 (hg19) VCF-style: chr22-21350313-G-A.
Other names: short protein forms G711R.
Identifiers: ClinVar variation 1319825 (VCV001319825.16), dbSNP rs777021795, ClinGen allele CA10119254.
Genomic context (GRCh38, chr22:20,996,024, plus strand): 5'-TACTTTGAAGCCATGTTCCGGTCCTTCATGCCCGAAGATGGGCAGGTGAACATCTCCATC[G>A]GGGAGATGGTGCCCAGCAGGCAGGCCTTCGAGTCCATGCTGCGCTACATCTACTACGGCG-3'
Protein context (NP_006758.2, residues 701-721): PEDGQVNISI[Gly711Arg]EMVPSRQAFE